The following is an entry in ClinVar:

ClinVar aggregate classification (germline): Likely benign (1 of 4 stars; one submission).

Submission:

GeneDx
Classification: Likely benign. Last evaluated: 2013-11-22. Review status: criteria provided, single submitter. Criteria: GeneDx Variant Classification (06012015). Collection method: clinical testing. Allele origin: germline. Affected: yes.
Comment: This variant is considered likely benign or benign based on one or more of the following criteria: it is a conservative change, it occurs at a poorly conserved position in the protein, it is predicted to be benign by multiple in silico algorithms, and/or has population frequency not consistent with disease.

NM_015443.4(KANSL1):c.3141G>C (p.Gln1047His)

Gene: KANSL1 (KAT8 regulatory NSL complex subunit 1). Cytogenetic location: 17q21.31.
Variant type: single nucleotide variant.
Coding change: c.3141G>C on transcript NM_015443.4 (MANE Select); coding-DNA position 3141, G replaced by C.
Protein change: p.Gln1047His; replaces glutamine 1047 with histidine.
Molecular consequence: missense variant.
Genome position (GRCh38, 1-based): chr17:46,031,653, C>G on the plus strand (G>C on the coding strand, the complement: KANSL1 is on the minus strand). VCF-style: chr17-46031653-C-G. GRCh37 (hg19) VCF-style: chr17-44109019-C-G.
Other names: p.Q1047H:CAG>CAC; c.3138G>C, p.Gln1046His (NM_001193465.2); c.3141G>C, p.Gln1047His (NM_001193466.2, NM_001379198.1); short protein forms Q1047H, Q1046H.
Identifiers: ClinVar variation 205753 (VCV000205753.1), dbSNP rs796052589, ClinGen allele CA315134.